The following is an entry in ClinVar:

ClinVar aggregate classification (germline): Uncertain significance (1 of 4 stars; one submission).

Submission:

Mayo Clinic Laboratories, Mayo Clinic
Classification: Uncertain significance. Last evaluated: 2022-12-14. Review status: criteria provided, single submitter. Criteria: ACMG Guidelines, 2015. Collection method: clinical testing. Allele origin: germline. Observed: 1 variant allele.
Comment: PM1, PM2_supporting

NM_000257.4(MYH7):c.2810C>A (p.Thr937Asn)

Gene: MYH7 (myosin heavy chain 7; minus strand). Cytogenetic location: 14q11.2.
Variant type: single nucleotide variant.
Coding change: c.2810C>A on transcript NM_000257.4 (MANE Select); coding-DNA position 2810, C replaced by A.
Protein change: p.Thr937Asn; replaces threonine 937 with asparagine.
Molecular consequence: missense variant.
Genome position (GRCh38, 1-based): chr14:23,424,019, G>T on the plus strand (C>A on the coding strand, the complement: MYH7 is on the minus strand). VCF-style: chr14-23424019-G-T. GRCh37 (hg19) VCF-style: chr14-23893228-G-T.
Other names: p.Thr937Asn; c.2810C>A, p.Thr937Asn (NM_001407004.1); short protein forms T937N.
Identifiers: ClinVar variation 2683247 (VCV002683247.1), dbSNP rs2138663538, ClinGen allele CA389046972.